The following is an entry in ClinVar:

NM_004390.5(CTSH):c.699+1G>A

Gene: CTSH (cathepsin H; minus strand). Cytogenetic location: 15q25.1.
Variant type: single nucleotide variant.
Coding change: c.699+1G>A on transcript NM_004390.5 (MANE Select); the canonical splice donor site of the intron after coding-DNA position 699, G replaced by A.
Molecular consequence: splice donor variant.
Genome position (GRCh38, 1-based): chr15:78,927,712, C>T on the plus strand (G>A on the coding strand, the complement: CTSH is on the minus strand). VCF-style: chr15-78927712-C-T. GRCh37 (hg19) VCF-style: chr15-79220054-C-T.
Other names: NC_000015.9:g.79220054C>T; c.297+1G>A (NM_001319137.2); c.585+1G>A (NM_001411095.1).
Identifiers: ClinVar variation 758792 (VCV000758792.5), dbSNP rs148219875, ClinGen allele CA7687658.

ClinVar aggregate classification (germline): Likely benign. Review status: criteria provided, multiple submitters, no conflicts (2 of 4 stars). 2 submissions from 2 submitters: Likely benign (2). Last evaluated 2026-06-22.

Conditions:
CTSH-related disorder. Also called: CTSH-related condition.

Allele frequency attached by ClinVar (database versions not stated): TOPMed 0.00013; 1000 Genomes Project 30x 0.00047; 1000 Genomes Project 0.00060.
gnomAD v4.1: 295 of 1,613,968 alleles (0.018%); highest among the groups gnomAD compares: East Asian, 0.6%; 2 homozygotes.

Submissions (5):

PreventionGenetics, part of Exact Sciences
Classification: Likely benign for CTSH-related condition. Last evaluated: 2026-06-22. Review status: criteria provided, single submitter. Criteria: ACMG Guidelines, 2015. Collection method: clinical testing. Allele origin: germline.
Comment: This variant is classified as likely benign based on ACMG/AMP sequence variant interpretation guidelines (Richards et al. 2015 PMID: 25741868, with internal and published modifications).

Labcorp Genetics (formerly Invitae), Labcorp
Classification: Likely benign. Last evaluated: 2018-07-11. Review status: criteria provided, single submitter. Criteria: Invitae Variant Classification Sherloc (09022015). Collection method: clinical testing. Allele origin: germline.

Dr. Peter K. Rogan Lab, Western University
No classification provided (evidence only). Condition: Uterine corpus endometrial carcinoma. Review status: no classification provided. Collection method: in vitro. Allele origin: not applicable. Functional consequence: skipped exon, retained intron. Not counted in ClinVar's aggregate classification.

Dr. Peter K. Rogan Lab, Western University
No classification provided (evidence only). Condition: Hepatocellular carcinoma. Review status: no classification provided. Collection method: in vitro. Allele origin: not applicable. Functional consequence: skipped exon, retained intron. Not counted in ClinVar's aggregate classification.

Dr. Peter K. Rogan Lab, Western University
No classification provided (evidence only). Condition: Gastric cancer. Review status: no classification provided. Collection method: in vitro. Allele origin: not applicable. Functional consequence: retained intron. Not counted in ClinVar's aggregate classification.